The following is an entry in ClinVar:

ClinVar aggregate classification (germline): Pathogenic (1 of 4 stars; one submission).

Conditions:
Mucopolysaccharidosis, MPS-II (MPS2). Also called: Hunter Syndrome; IDURONATE 2-SULFATASE DEFICIENCY; Mucopolysaccharidosis Type II; Mucopolysaccharidosis type 2; Attenuated MPS (subtype; formerly known as mild MPS II); Severe MPS II. Identifiers: Orphanet 580, Orphanet 79388, MedGen C0026705, MONDO:0010674, OMIM 309900.

Submission:

Laboratory of Diagnosis and Therapy of Lysosomal Disorders, University of Padova
Classification: Pathogenic for Mucopolysaccharidosis, MPS-II. Last evaluated: 2024-06-07. Review status: criteria provided, single submitter. Criteria: ACMG Guidelines, 2015. Collection method: literature only. Allele origin: germline. Affected: yes. Observed: 1 variant allele.
Comment: Null variant (PVS1_Strong), Absent from controls (or at low frequency) in gnomAD database (PM2_Moderate), Patient’s phenotype or family history highly specific for the disease (PP4_Strong)

Classification method: ACMG Guidelines [PMID:25741868] with modifications

Literature cited by the submitters: PubMed 10447264.

NM_000202.8(IDS):c.1509del (p.Gly504fs)

Gene: IDS (iduronate 2-sulfatase; minus strand). Cytogenetic location: Xq28.
Variant type: Deletion.
Coding change: c.1509del on transcript NM_000202.8 (MANE Select); coding-DNA position 1509, one base deleted (T; older notation c.1509delT).
Protein change: p.Gly504fs; shifts the reading frame from glycine 504.
Molecular consequence: frameshift variant.
Genome position (GRCh38, 1-based): chrX:149,482,890, A deleted on the plus strand (T on the coding strand, the reverse complement: IDS is on the minus strand); the first of 2 consecutive A bases (chrX:149,482,890-149,482,891); deleting either gives the same sequence. VCF-style (leftmost placement, unchanged base first): chrX-149482889-CA-C. GRCh37 (hg19) VCF-style: chrX-148564420-CA-C.
Other names: c.1239del, p.Gly414fs (NM_001166550.4); short protein forms G414fs, G504fs.
Identifiers: ClinVar variation 3256078 (VCV003256078.2).
Genomic context (GRCh38, chrX:149,482,889, plus strand): 5'-AATACAGTTCCCCTGCATGGATGTCAGAAAAGTTAGCTAGAAATTCATCAGGATTGAAGC[CA>C]ACCCACACAGTATACCTATAGTCTATGGTGCGTATGGAATAGCCCATGATCTTTATATCT-3'